The following is an entry in ClinVar:

NM_002439.5(MSH3):c.2988_3000+893delinsG

Gene: MSH3 (mutS homolog 3; plus strand). Cytogenetic location: 5q14.1.
Variant type: Indel.
Coding change: c.2988_3000+893delinsG on transcript NM_002439.5 (MANE Select); coding-DNA position 2988 through 893 bases into the intron after coding-DNA position 3000, the reference bases replaced by G.
Molecular consequence: splice donor variant.
Genome position (GRCh38, 1-based): chr5:80,854,304-80,855,209, 906 bases replaced. GRCh37 (hg19): chr5:80,150,123-80,151,028.
Identifiers: ClinVar variation 2814259 (VCV002814259.3), dbSNP rs2478772053, ClinGen allele CA2739274830.

ClinVar aggregate classification (germline): Likely pathogenic (1 of 4 stars; one submission).

Submission:

Labcorp Genetics (formerly Invitae), Labcorp
Classification: Likely pathogenic. Last evaluated: 2025-11-17. Review status: criteria provided, single submitter. Criteria: Invitae Variant Classification Sherloc (09022015). Collection method: clinical testing. Allele origin: germline.
Comment: This variant results in the deletion of part of exon 21 (c.2988_3000+893delinsG) of the MSH3 gene. RNA analysis indicates that this variant induces altered splicing and may result in an absent or altered protein product. This variant is not present in population databases (gnomAD no frequency). This variant has not been reported in the literature in individuals affected with MSH3-related conditions. ClinVar contains an entry for this variant (Variation ID: 2814259). Studies have shown that this variant results in skipping of exon 21, and produces a non-functional protein and/or introduces a premature termination codon (internal data). In summary, the currently available evidence indicates that the variant is pathogenic, but additional data are needed to prove that conclusively. Therefore, this variant has been classified as Likely Pathogenic.